The following is an entry in ClinVar:

ClinVar aggregate classification (germline): Likely benign (0 of 4 stars; one submission).

Conditions:
MXRA8-related disorder. Also called: MXRA8-related condition.

Allele frequency attached by ClinVar (database versions not stated): gnomAD exomes 0.00009; ExAC 0.00036; 1000 Genomes Project 30x 0.00078; 1000 Genomes Project 0.00080; gnomAD 0.00103; TOPMed 0.00130; ESP Exome Variant Server 0.00139.
gnomAD v4.1: 300 of 1,610,510 alleles (0.019%); highest among the groups gnomAD compares: African/African-American, 0.35%; 1 homozygote.

Submission:

PreventionGenetics, part of Exact Sciences
Classification: Likely benign for MXRA8-related condition. Last evaluated: 2019-06-24. Review status: no assertion criteria provided. Collection method: clinical testing. Allele origin: germline.
Comment: This variant is classified as likely benign based on ACMG/AMP sequence variant interpretation guidelines (Richards et al. 2015 PMID: 25741868, with internal and published modifications).

NM_032348.4(MXRA8):c.950-5C>T

Gene: MXRA8 (matrix remodeling associated 8; minus strand). Cytogenetic location: 1p36.33.
Variant type: single nucleotide variant.
Coding change: c.950-5C>T on transcript NM_032348.4 (MANE Select); 5 bases into the intron before coding-DNA position 950, C replaced by T.
Molecular consequence: intron variant.
Genome position (GRCh38, 1-based): chr1:1,354,514, G>A on the plus strand (C>T on the coding strand, the complement: MXRA8 is on the minus strand). VCF-style: chr1-1354514-G-A. GRCh37 (hg19) VCF-style: chr1-1289894-G-A.
Other names: c.950-5C>T (NM_001282585.1, NM_001282582.2); c.923-5C>T (NM_001282583.2); c.647-5C>T (NM_001282584.2).
Identifiers: ClinVar variation 3043199 (VCV003043199.2), dbSNP rs199522385, ClinGen allele CA521145.
Genomic context (GRCh38, chr1:1,354,514, plus strand): 5'-TCGGCTCTCGGGGACGATGACATTGATGACGTTGTGGCCGCGCGCCAGTGTGGGGTCTGC[G>A]GGGAACGCGGGGTCGGGGCGGCGTCAGGTACCAGCAAGACCTGCGCCCCGACCCGGGCCA-3'